The following is an entry in ClinVar:

NM_002691.4(POLD1):c.2770T>A (p.Tyr924Asn)

Gene: POLD1 (DNA polymerase delta 1, catalytic subunit; plus strand). Cytogenetic location: 19q13.33.
Variant type: single nucleotide variant.
Coding change: c.2770T>A on transcript NM_002691.4 (MANE Select); coding-DNA position 2770, T replaced by A.
Protein change: p.Tyr924Asn; replaces tyrosine 924 with asparagine.
Molecular consequence: missense variant.
Genome position (GRCh38, 1-based): chr19:50,415,776, T>A. VCF-style: chr19-50415776-T-A. GRCh37 (hg19) VCF-style: chr19-50919033-T-A.
Other names: c.2770T>A, p.Tyr924Asn (NM_001256849.1); c.2848T>A, p.Tyr950Asn (NM_001308632.1); short protein forms Y924N, Y950N.
Identifiers: ClinVar variation 3781411 (VCV003781411.1).
Genomic context (GRCh38, chr19:50,415,776, plus strand): 5'-CCACGCAGGATGAGGAAGCGGGACCCCGGGAGTGCGCCCAGCCTGGGCGACCGCGTCCCC[T>A]ACGTGATCATCAGTGCCGCCAAGGGTGTGGCCGCCTACATGAAGTCGGAGGTCAGGCCCA-3'
Protein context (NP_002682.2, residues 914-934): SAPSLGDRVP[Tyr924Asn]VIISAAKGVA

ClinVar aggregate classification (germline): Uncertain significance (1 of 4 stars; one submission).

Conditions:
Hereditary cancer-predisposing syndrome. Also called: Neoplastic Syndromes, Hereditary; Hereditary Cancer Syndrome; Tumor predisposition; Hereditary neoplastic syndrome. Identifiers: Orphanet 140162, MedGen C0027672, MeSH D009386, MONDO:0015356.

gnomAD v4.1: 1 of 1,536,740 alleles (0.000065%); highest among the groups gnomAD compares: African/African-American, 0.0014%; no homozygotes.

Submission:

Ambry Genetics
Classification: Uncertain significance for Hereditary cancer-predisposing syndrome. Last evaluated: 2025-02-16. Review status: criteria provided, single submitter. Criteria: Ambry Variant Classification Scheme 2023. Collection method: clinical testing. Allele origin: germline.
Comment: The p.Y924N variant (also known as c.2770T>A), located in coding exon 21 of the POLD1 gene, results from a T to A substitution at nucleotide position 2770. The tyrosine at codon 924 is replaced by asparagine, an amino acid with dissimilar properties. This amino acid position is conserved. In addition, the in silico prediction for this alteration is inconclusive. Based on the available evidence, the clinical significance of this variant remains unclear.